The following is an entry in ClinVar:

NM_000518.5(HBB):c.316-28G>A

Genes: HBB (hemoglobin subunit beta; minus strand), LOC107133510 (origin of replication at HBB; plus strand), LOC110006319 (beta-globin gene 3' regulatory region; plus strand). Cytogenetic location: 11p15.4.
Variant type: single nucleotide variant.
Coding change: c.316-28G>A on transcript NM_000518.5 (MANE Select); 28 bases into the intron before coding-DNA position 316, G replaced by A.
Molecular consequence: intron variant.
Genome position (GRCh38, 1-based): chr11:5,225,754, C>T on the plus strand (G>A on the coding strand, the complement: HBB is on the minus strand). VCF-style: chr11-5225754-C-T. GRCh37 (hg19) VCF-style: chr11-5246984-C-T.
Other names: c.316-28G>A (NM_000518.4).
Identifiers: ClinVar variation 811029 (VCV000811029.18), dbSNP rs771736852, ClinGen allele CA5839719.

ClinVar aggregate classification (germline): Likely benign. Review status: criteria provided, multiple submitters, no conflicts (2 of 4 stars). 3 submissions from 3 submitters: Likely benign (3). Last evaluated 2025-11-13.

Allele frequency attached by ClinVar (database versions not stated): ExAC 0.00002; gnomAD 0.00003; TOPMed 0.00004.
gnomAD v4.1: 25 of 1,613,248 alleles (0.0015%); highest among the groups gnomAD compares: Admixed American, 0.0067%; no homozygotes.

Submissions (3):

Labcorp Genetics (formerly Invitae), Labcorp
Classification: Likely benign. Last evaluated: 2025-11-13. Review status: criteria provided, single submitter. Criteria: Invitae Variant Classification Sherloc (09022015). Collection method: clinical testing. Allele origin: germline.

Women's Health and Genetics/Laboratory Corporation of America, LabCorp
Classification: Likely benign. Last evaluated: 2024-12-12. Review status: criteria provided, single submitter. Criteria: LabCorp Variant Classification Summary - May 2015. Collection method: clinical testing. Allele origin: germline.

ARUP Laboratories, Molecular Genetics and Genomics, ARUP Laboratories
Classification: Likely benign. Last evaluated: 2018-09-25. Review status: criteria provided, single submitter. Criteria: ARUP Molecular Germline Variant Investigation Process. Collection method: clinical testing. Allele origin: germline.
Comment: The HBB c.316-28G>A variant (rs771736852), to our knowledge, is not reported in the medical literature or gene specific databases. This variant is found in the general population with an overall allele frequency of 0.002% (6/276,372 alleles) in the Genome Aggregation Database. This is an intronic variant in a weakly conserved nucleotide, and computational analyses (Alamut v.2.11) predict that this variant does not alter splicing. Based on available information, the c.316-28G>A variant is considered to be likely benign.